The following is an entry in ClinVar:

NM_003738.5(PTCH2):c.3314TGC[4] (p.Leu1107dup)

Gene: PTCH2 (patched 2; minus strand). Cytogenetic location: 1p34.1.
Variant type: Microsatellite.
Coding change: c.3314TGC[4] on transcript NM_003738.5 (MANE Select); four copies in a row of the 3-base unit TGC starting at c.3314; the reference has three copies in a row; one copy, 3 bases duplicated.
Protein change: p.Leu1107dup; duplicates leucine 1107.
Molecular consequence: inframe insertion.
Genome position (GRCh38, 1-based): chr1:44,823,104-44,823,106, GCA duplicated on the plus strand (TGC on the coding strand, the reverse complement: PTCH2 is on the minus strand); duplicating any 3 consecutive bases within chr1:44,823,104-44,823,112 gives the same sequence; the position shown is the placement nearest the transcript's 3' end. VCF-style (leftmost placement, unchanged base first): chr1-44823103-G-GGCA. GRCh37 (hg19) VCF-style: chr1-45288775-G-GGCA.
Other names: c.3314TGC[4], p.Leu1107dup (NM_001166292.2).
Identifiers: ClinVar variation 1053090 (VCV001053090.9), dbSNP rs2148871672, ClinGen allele CA2580611159.

ClinVar aggregate classification (germline): Uncertain significance (1 of 4 stars; one submission).

Conditions:
Gorlin syndrome. Also called: Nevoid Basal Cell Carcinoma Syndrome; Basal cell nevus syndrome. Identifiers: Orphanet 377, MedGen C0004779, MONDO:0007187.

Submission:

Labcorp Genetics (formerly Invitae), Labcorp
Classification: Uncertain significance for Gorlin syndrome. Last evaluated: 2020-08-28. Review status: criteria provided, single submitter. Criteria: Invitae Variant Classification Sherloc (09022015). Collection method: clinical testing. Allele origin: germline.
Comment: In summary, the available evidence is currently insufficient to determine the role of this variant in disease. Therefore, it has been classified as a Variant of Uncertain Significance. Experimental studies and prediction algorithms are not available or were not evaluated, and the functional significance of this variant is currently unknown. This variant has not been reported in the literature in individuals with PTCH2-related conditions. This variant is not present in population databases (ExAC no frequency). This variant, c.3320_3322dup, results in the insertion of 1 amino acid(s) to the PTCH2 protein (p.Leu1107dup), but otherwise preserves the integrity of the reading frame.